The following is an entry in ClinVar:

ClinVar aggregate classification (germline): Benign/Likely benign. Review status: criteria provided, multiple submitters, no conflicts (2 of 4 stars). 7 submissions from 7 submitters: Benign (1); Likely benign (5). 1 of the submissions does not count toward it. Last evaluated 2026-01-19.

Conditions:
MSH6-related disorder. Also called: MSH6-related condition; MSH6-Related disorders.
Hereditary nonpolyposis colorectal neoplasms. Identifiers: MedGen C0009405, MeSH D003123.
Hereditary cancer-predisposing syndrome. Also called: Hereditary neoplastic syndrome; Neoplastic Syndromes, Hereditary; Tumor predisposition; Hereditary Cancer Syndrome. Identifiers: Orphanet 140162, MedGen C0027672, MeSH D009386, MONDO:0015356.
Lynch syndrome. Identifiers: Orphanet 144, MedGen C4552100, MONDO:0005835. Disease mechanism: loss of function.
Lynch syndrome 5 (LYNCH5). Also called: Hereditary non-polyposis colorectal cancer, type 5; Colorectal cancer, hereditary nonpolyposis, type 5. Identifiers: Orphanet 144, MedGen C1833477, MONDO:0013710, OMIM 614350. Disease mechanism: loss of function.

gnomAD v4.1: 8 of 1,614,228 alleles (0.0005%); highest among the groups gnomAD compares: Middle Eastern, 0.016%; no homozygotes.

Submissions (7):

Labcorp Genetics (formerly Invitae), Labcorp
Classification: Likely benign for Hereditary nonpolyposis colorectal neoplasms. Last evaluated: 2026-01-19. Review status: criteria provided, single submitter. Criteria: Invitae Variant Classification Sherloc (09022015). Collection method: clinical testing. Allele origin: germline.

Myriad Genetics, Inc.
Classification: Benign for Lynch syndrome 5. Last evaluated: 2024-12-27. Review status: criteria provided, single submitter. Criteria: Myriad Autosomal Dominant, Autosomal Recessive and X-Linked Classification Criteria (2023). Collection method: clinical testing. Allele origin: unknown.
Comment: This variant is considered benign. This variant is a silent/synonymous amino acid change and it is not expected to impact splicing.

All of Us Research Program, National Institutes of Health
Classification: Likely benign for Lynch syndrome. Last evaluated: 2024-08-06. Review status: criteria provided, single submitter. Criteria: ACMG Guidelines, 2015. Collection method: clinical testing. Allele origin: germline. Inheritance: Autosomal dominant inheritance. Observed: 3 variant alleles, 3 heterozygotes.
Comment: This study involves interpretation of variants in research participants for the purpose of population health screening. Participant phenotype was not available at the time of variant classification. Additional details can be found in publication PMID: 35346344, PMCID: PMC8962531

Color Diagnostics, LLC DBA Color Health
Classification: Likely benign for Hereditary cancer-predisposing syndrome. Last evaluated: 2017-12-11. Review status: criteria provided, single submitter. Criteria: ACMG Guidelines, 2015. Collection method: clinical testing. Allele origin: germline.

GeneDx
Classification: Likely benign. Last evaluated: 2016-02-29. Review status: criteria provided, single submitter. Criteria: GeneDx Variant Classification (06012015). Collection method: clinical testing. Allele origin: germline. Affected: yes.
Comment: This variant is considered likely benign or benign based on one or more of the following criteria: it is a conservative change, it occurs at a poorly conserved position in the protein, it is predicted to be benign by multiple in silico algorithms, and/or has population frequency not consistent with disease.

Ambry Genetics
Classification: Likely benign for Hereditary cancer-predisposing syndrome. Last evaluated: 2016-01-25. Review status: criteria provided, single submitter. Criteria: Ambry Variant Classification Scheme 2023. Collection method: clinical testing. Allele origin: germline.

PreventionGenetics, part of Exact Sciences
Classification: Likely benign for MSH6-related condition. Last evaluated: 2019-07-19. Review status: no assertion criteria provided. Collection method: clinical testing. Allele origin: germline. Not counted in ClinVar's aggregate classification.
Comment: This variant is classified as likely benign based on ACMG/AMP sequence variant interpretation guidelines (Richards et al. 2015 PMID: 25741868, with internal and published modifications).

NM_000179.3(MSH6):c.1827A>G (p.Leu609=)

Gene: MSH6 (mutS homolog 6; plus strand). Cytogenetic location: 2p16.3.
Variant type: single nucleotide variant.
Coding change: c.1827A>G on transcript NM_000179.3 (MANE Select); coding-DNA position 1827, A replaced by G.
Protein change: p.Leu609=; no amino-acid change (leucine 609 retained).
Molecular consequence: synonymous variant.
Genome position (GRCh38, 1-based): chr2:47,799,810, A>G. VCF-style: chr2-47799810-A-G. GRCh37 (hg19) VCF-style: chr2-48026949-A-G.
Other names: c.1437A>G, p.Leu479= (NM_001281492.2); c.921A>G, p.Leu307= (NM_001281493.2, NM_001281494.2).
Identifiers: ClinVar variation 184240 (VCV000184240.34), dbSNP rs767064953, ClinGen allele CA009276.